The following is an entry in ClinVar:

ClinVar aggregate classification (germline): Pathogenic. Review status: criteria provided, multiple submitters, no conflicts (2 of 4 stars). 14 submissions from 14 submitters: Pathogenic (12). 2 of the submissions do not count toward it. Last evaluated 2026-09-01.

Conditions:
PSEN1-related disorder. Also called: PSEN1-related condition.
Acne inversa, familial, 3 (ACNINV3). Identifiers: MedGen C3151038, MONDO:0013398, OMIM 613737.
Frontotemporal dementia (FTD1). Also called: FRONTOTEMPORAL DEMENTIA WITH PARKINSONISM; FRONTOTEMPORAL LOBE DEMENTIA; WILHELMSEN-LYNCH DISEASE; MULTIPLE SYSTEM TAUOPATHY WITH PRESENILE DEMENTIA; Dementia, frontotemporal, with or without parkinsonism; Frontotemporal lobe dementia (FLDEM). Identifiers: Orphanet 282, MedGen C0338451, MONDO:0017276, OMIM 600274, HP:0002145.
Alzheimer disease 3 (AD3). Also called: ALZHEIMER DISEASE, FAMILIAL, 3. Identifiers: Orphanet 1020, MedGen C1843013, MONDO:0011913, OMIM 607822.
Pick disease. Also called: PICK DISEASE OF BRAIN; DEMENTIA WITH LOBAR ATROPHY AND NEURONAL CYTOPLASMIC INCLUSIONS; LOBAR ATROPHY OF BRAIN; Pick's disease; Pick Disease of the Brain. Identifiers: Orphanet 282, MedGen C0236642, MONDO:0008243, OMIM 172700.
Dilated cardiomyopathy 1U. Identifiers: Orphanet 154, MedGen C3160720, MONDO:0013371, OMIM 613694.

Allele frequency attached by ClinVar (database versions not stated): TOPMed 0.00001.

Submissions (14):

CeGaT Center for Human Genetics Tuebingen
Classification: Pathogenic. Last evaluated: 2026-09-01. Review status: criteria provided, single submitter. Criteria: CeGaT Center For Human Genetics Tuebingen Variant Classification Criteria Version 2. Collection method: clinical testing. Allele origin: germline. Affected: yes. Observed: 1 variant allele.
Comment: PSEN1: PP1:Strong, PS4, PM2, PM5:Supporting, PP2, PP3, PS3:Supporting

GeneDx
Classification: Pathogenic. Last evaluated: 2026-08-08. Review status: criteria provided, single submitter. Criteria: GeneDx Variant Classification Process June 2021. Collection method: clinical testing. Allele origin: germline.
Comment: Published functional studies demonstrate a damaging effect (PMID: 20634584, 27930341); Not observed at significant frequency in large population cohorts (gnomAD); In silico analysis supports that this missense variant has a deleterious effect on protein structure/function; This variant is associated with the following publications: (PMID: 27614114, 20145736, 27930341, 26756738, 30716424, 11524469, 16801675, 16897084, 31884479, 33274538, 35959289, 16628450, 20634584)

Labcorp Genetics (formerly Invitae), Labcorp
Classification: Pathogenic for Alzheimer disease 3; Pick disease; Acne inversa, familial, 3; Frontotemporal dementia. Last evaluated: 2025-12-29. Review status: criteria provided, single submitter. Criteria: Invitae Variant Classification Sherloc (09022015). Collection method: clinical testing. Allele origin: germline.
Comment: This sequence change replaces alanine, which is neutral and non-polar, with glutamic acid, which is acidic and polar, at codon 431 of the PSEN1 protein (p.Ala431Glu). This variant is not present in population databases (gnomAD no frequency). This missense change has been observed in individual(s) with autosomal dominant Alzheimer disease (PMID: 16628450, 16897084). It is commonly reported in individuals of Mexican ancestry (PMID: 16628450, 16897084). Invitae Evidence Modeling of clinical and family history, age, sex, and reported ancestry of multiple individuals with this PSEN1 variant has been performed. This variant is expected to be pathogenic with a positive predictive value of at least 99%. This is a validated machine learning model that incorporates the clinical features of 21,034 individuals referred to our laboratory for PSEN1 testing. ClinVar contains an entry for this variant (Variation ID: 18155). Invitae Evidence Modeling of protein sequence and biophysical properties (such as structural, functional, and spatial information, amino acid conservation, physicochemical variation, residue mobility, and thermodynamic stability) indicates that this missense variant is expected to disrupt PSEN1 protein function with a positive predictive value of 95%. Experimental studies have shown that this missense change affects PSEN1 function (PMID: 20145736, 20634584, 21373759, 27930341). For these reasons, this variant has been classified as Pathogenic.

3billion
Classification: Pathogenic for Alzheimer disease 3. Last evaluated: 2025-11-18. Review status: criteria provided, single submitter. Criteria: ACMG Guidelines, 2015. Collection method: clinical testing. Allele origin: germline. Affected: yes.
Comment: The variant is not observed in the gnomAD v4.1.0 dataset. Predicted Consequence/Location: Missense variant. Missense changes are a common disease-causing mechanism. Functional studies provide moderate evidence of the variant having a damaging effect on the gene or gene product (PMID: 20145736, 27930341). In silico tool predictions suggest damaging effect of the variant on gene or gene product [REVEL: 0.95 (>=0.6, sensitivity 0.68 and specificity 0.92); 3Cnet: 0.99 (> 0.75, sensitivity 0.96 and precision 0.92)]. The same nucleotide change resulting in the same amino acid change has been previously reported as pathogenic/likely pathogenic with strong evidence (ClinVar ID: VCV000018155 /3billion dataset). The variant has been observed in multiple (>3) similarly affected unrelated individuals (PMID: 16628450, 16897084, 33274538). A different missense change at the same codon (p.Ala431Val) has been reported as pathogenic/likely pathogenic with strong evidence (ClinVar ID: VCV000098113 /PMID: 12399144). Therefore, this variant is classified as Pathogenic according to the recommendation of ACMG/AMP guideline.

Mayo Clinic Laboratories, Mayo Clinic
Classification: Pathogenic. Last evaluated: 2025-07-15. Review status: criteria provided, single submitter. Criteria: ACMG Guidelines, 2015. Collection method: clinical testing. Allele origin: germline. Observed: 1 variant allele.
Comment: PP1, PP3_strong, PP4, PM2_supporting, PS3, PS4_moderate

Revvity Omics, Revvity
Classification: Pathogenic. Last evaluated: 2024-09-03. Review status: criteria provided, single submitter. Criteria: ACMG Guidelines, 2015. Collection method: clinical testing. Allele origin: germline.

Fulgent Genetics
Classification: Pathogenic for Pick disease; Frontotemporal dementia; Alzheimer disease 3; Dilated cardiomyopathy 1U; Acne inversa, familial, 3. Last evaluated: 2024-04-12. Review status: criteria provided, single submitter. Criteria: ACMG Guidelines, 2015. Collection method: clinical testing. Allele origin: germline.

Baylor Genetics
Classification: Pathogenic for Alzheimer disease 3. Last evaluated: 2024-02-19. Review status: criteria provided, single submitter. Criteria: ACMG Guidelines, 2015. Collection method: clinical testing. Allele origin: unknown.

ARUP Laboratories, Molecular Genetics and Genomics, ARUP Laboratories
Classification: Pathogenic. Last evaluated: 2023-10-30. Review status: criteria provided, single submitter. Criteria: ARUP Molecular Germline Variant Investigation Process 2024. Collection method: clinical testing. Allele origin: germline.
Comment: The PSEN1 c.1292C>A; p.Ala431Glu (rs63750083) variant is reported in the literature in several individuals and families with Alzheimer's disease (Parker 2019, Portelius 2010, Soosman 2016) and is implicated as a founder variant in individuals from Jalisco state in Mexico (Murrell 2006). The variant is reported in the ClinVar database as pathogenic by several sources (Variation ID: 18155) but is absent from the Genome Aggregation Database, indicating it is not a common polymorphism. The alanine at codon 431 is highly conserved, and computational analyses predict that this variant is deleterious (REVEL: 0.946). Functional studies indicate this variant inhibits gamma secretase activity and impair its function as a calcium leak channel (Nelson 2010, Sun 2017). Based on available information, this variant is classified as pathogenic. References: Murrell J et al. The A431E mutation in PSEN1 causing familial Alzheimer's disease originating in Jalisco State, Mexico: an additional fifteen families. Neurogenetics. 2006 Nov;7(4):277-9. Nelson O et al. Familial Alzheimer's disease mutations in presenilins: effects on endoplasmic reticulum calcium homeostasis and correlation with clinical phenotypes. J Alzheimers Dis. 2010;21(3):781-93. Parker J et al. Homozygosity for the A431E mutation in PSEN1 presenting with a relatively aggressive phenotype. Neurosci Lett. 2019 Apr 23;699:195-198. Portelius E et al. Distinct cerebrospinal fluid amyloid beta peptide signatures in sporadic and PSEN1 A431E-associated familial Alzheimer's disease. Mol Neurodegener. 2010 Jan 14;5:2. Soosman SK et al. Widespread white matter and conduction defects in PSEN1-related spastic paraparesis. Neurobiol Aging. 2016 Nov;47:201-209. Sun L et al. Analysis of 138 pathogenic mutations in presenilin-1 on the in vitro production of AB42 and AB40 peptides by gamma-secretase. Proc Natl Acad Sci U S A. 2017 Jan 24;114(4):E476-E485.

Athena Diagnostics
Classification: Pathogenic. Last evaluated: 2022-05-16. Review status: criteria provided, single submitter. Criteria: Athena Diagnostics Criteria. Collection method: clinical testing. Allele origin: unknown.
Comment: This variant has been identified in multiple unrelated individuals with autosomal dominant Alzheimer disease and is considered the most common cause of Alzheimer disease among individuals of Mexican ancestry (PMID: 16628450, 16897084, 33274538). This variant has not been reported in large, multi-ethnic general populations. (Genome Aggregation Database (gnomAD), Cambridge, MA (URL)) At least one other missense variant at this codon is considered to be pathogenic or likely pathogenic, suggesting this variant may also cause disease. Assessment of experimental evidence suggests this variant results in abnormal protein function. A study shows this variant results in increased amyloid-beta 42 peptide production (PMID: 27930341).

Women's Health and Genetics/Laboratory Corporation of America, LabCorp
Classification: Pathogenic for Alzheimer disease 3. Last evaluated: 2022-03-08. Review status: criteria provided, single submitter. Criteria: LabCorp Variant Classification Summary - May 2015. Collection method: clinical testing. Allele origin: germline.
Comment: Variant summary: PSEN1 c.1292C>A (p.Ala431Glu) results in a non-conservative amino acid change in the encoded protein sequence. Five of five in-silico tools predict a damaging effect of the variant on protein function. The variant was absent in 251436 control chromosomes. c.1292C>A has been widely reported in the literature in multiple individuals affected with Alzheimer Disease, Type 3 and is regarded as a founder variant of Mexican origin (example, Murrell_2006). These data indicate that the variant is very likely to be associated with disease. At least two publications report experimental evidence evaluating an impact on protein function demonstrating a modulation of the gamma secretase activity and an increased ratio of long A-beta APP (amyloid precursor protein) cleavage fragments over shorter ones, exemplified by the ratio of A-beta42 over A-beta 40, consistent with the established pathophysiology of disease (example, Portelius_2010, Sun_2017). Five clinical diagnostic laboratories have submitted clinical-significance assessments for this variant to ClinVar after 2014 without evidence for independent evaluation. All laboratories classified the variant as pathogenic/likely pathogenic. Based on the evidence outlined above, the variant was classified as pathogenic.

Blueprint Genetics
Classification: Pathogenic for PSEN1-related disorders. Last evaluated: 2019-02-13. Review status: criteria provided, single submitter. Criteria: ACMG Guidelines, 2015. Collection method: clinical testing. Allele origin: germline. Affected: yes. Observed: 1 variant allele.

OMIM
Classification: Pathogenic for ALZHEIMER DISEASE, FAMILIAL, 3. Last evaluated: 2006-11-01. Review status: no assertion criteria provided. Collection method: literature only. Allele origin: germline. Not counted in ClinVar's aggregate classification.

GeneReviews
No classification provided. Condition: Alzheimer disease 3. Review status: no classification provided. Collection method: literature only. Allele origin: unknown. Not counted in ClinVar's aggregate classification.

Literature cited by the submitters: PubMed 16628450 (cited by 6 submitters); PubMed 16897084 (cited by 7 submitters); PubMed 20145736 (cited by 5 submitters); PubMed 20634584 (cited by 3 submitters); PubMed 21373759 (cited by Labcorp Genetics (formerly Invitae), Labcorp and Athena Diagnostics); PubMed 27930341 (cited by 5 submitters); PubMed 12399144 (cited by 3billion); PubMed 33274538 (cited by 3 submitters); PubMed 11524469 (cited by Mayo Clinic Laboratories, Mayo Clinic and Athena Diagnostics); PubMed 14966176 (cited by Mayo Clinic Laboratories, Mayo Clinic and Athena Diagnostics); PubMed 16116115 (cited by Mayo Clinic Laboratories, Mayo Clinic and Athena Diagnostics); PubMed 19021905 (cited by Mayo Clinic Laboratories, Mayo Clinic and Athena Diagnostics); PubMed 30716424 (cited by Mayo Clinic Laboratories, Mayo Clinic and Athena Diagnostics); PubMed 35959289 (cited by Mayo Clinic Laboratories, Mayo Clinic); PubMed 19915487 (cited by Athena Diagnostics); PubMed 19196715 (cited by Athena Diagnostics); PubMed 23341831 (cited by Athena Diagnostics); PubMed 25959826 (cited by Athena Diagnostics); PubMed 22689192 (cited by Athena Diagnostics); PubMed 21952501 (cited by Athena Diagnostics); PubMed 24093083 (cited by Athena Diagnostics); PubMed 20729396 (cited by Athena Diagnostics); PubMed 27614114 (cited by Athena Diagnostics); PubMed 33188013 (cited by Athena Diagnostics); PubMed 20301414 (cited by GeneReviews); NCBI Bookshelf NBK1236 (cited by GeneReviews).

NM_000021.4(PSEN1):c.1292C>A (p.Ala431Glu)

Gene: PSEN1 (presenilin 1; plus strand). Cytogenetic location: 14q24.2.
Variant type: single nucleotide variant.
Coding change: c.1292C>A on transcript NM_000021.4 (MANE Select); coding-DNA position 1292, C replaced by A.
Protein change: p.Ala431Glu; replaces alanine 431 with glutamic acid.
Molecular consequence: missense variant.
Genome position (GRCh38, 1-based): chr14:73,219,177, C>A. VCF-style: chr14-73219177-C-A. GRCh37 (hg19) VCF-style: chr14-73685885-C-A.
Other names: c.1280C>A, p.Ala427Glu (NM_007318.3); short protein forms A431E, A427E.
Identifiers: ClinVar variation 18155 (VCV000018155.35), dbSNP rs63750083, ClinGen allele CA341492.